The following is an entry in ClinVar:

ClinVar aggregate classification (germline): Likely benign (1 of 4 stars; one submission).

Conditions:
PCSK1-related disorder. Also called: PCSK1-related condition.

gnomAD v4.1: 1 of 1,610,966 alleles (0.000062%); highest among the groups gnomAD compares: Admixed American, 0.0017%; no homozygotes.

Submission:

PreventionGenetics, part of Exact Sciences
Classification: Likely benign for PCSK1-related condition. Last evaluated: 2025-02-06. Review status: criteria provided, single submitter. Criteria: ACMG Guidelines, 2015. Collection method: clinical testing. Allele origin: germline.
Comment: This variant is classified as likely benign based on ACMG/AMP sequence variant interpretation guidelines (Richards et al. 2015 PMID: 25741868, with internal and published modifications).

NM_000439.5(PCSK1):c.1588+8A>G

Genes: CAST (calpastatin; plus strand), PCSK1 (proprotein convertase subtilisin/kexin type 1; minus strand), LOC101929710 (uncharacterized LOC101929710; plus strand). Cytogenetic location: 5q15.
Variant type: single nucleotide variant.
Coding change: c.1588+8A>G on transcript NM_000439.5 (MANE Select); 8 bases into the intron after coding-DNA position 1588, A replaced by G.
Molecular consequence: intron variant.
Genome position (GRCh38, 1-based): chr5:96,398,871, T>C on the plus strand (A>G on the coding strand, the complement: PCSK1 is on the minus strand). VCF-style: chr5-96398871-T-C. GRCh37 (hg19) VCF-style: chr5-95734575-T-C.
Other names: c.-175+19219T>C (NM_001423254.1, NM_001423259.1, NM_001423255.1 and 6 more transcripts); c.-103+19219T>C (NM_001423253.1); c.-40+19219T>C (NM_001423258.1); c.1447+8A>G (NM_001177875.2).
Identifiers: ClinVar variation 4977781 (VCV004977781.1).
Genomic context (GRCh38, chr5:96,398,871, plus strand): 5'-CAATCAGTTATTTGAATCATTCAACTTACACTTAAAAATATAAATGGCTTAGAACTTTTT[T>C]AATTTACCAGCAGCAGAAGTAAGTGTGACATGAAGGTCTCCTCTTCGGGAATATTCAATT-3'